The following is an entry in ClinVar:

NM_170707.4(LMNA):c.486G>A (p.Leu162=)

Genes: LMNA (lamin A/C; plus strand), LOC126805877 (MED14-independent group 3 enhancer GRCh37_chr1:156099693-156100892; plus strand). Cytogenetic location: 1q22.
Variant type: single nucleotide variant.
Coding change: c.486G>A on transcript NM_170707.4 (MANE Select); coding-DNA position 486, G replaced by A.
Protein change: p.Leu162=; no amino-acid change (leucine 162 retained).
Molecular consequence: synonymous variant.
Genome position (GRCh38, 1-based): chr1:156,130,746, G>A. VCF-style: chr1-156130746-G-A. GRCh37 (hg19) VCF-style: chr1-156100537-G-A.
Other names: c.150G>A, p.Leu50= (NM_001257374.3); c.243G>A, p.Leu81= (NM_001282624.2); c.486G>A, p.Leu162= (NM_001282625.2, NM_001282626.2, NM_005572.4 and 1 more transcripts); c.486G>A (NM_170707.3).
Identifiers: ClinVar variation 163865 (VCV000163865.10), dbSNP rs727503135, ClinGen allele CA018150.

ClinVar aggregate classification (germline): Likely benign. Review status: criteria provided, multiple submitters, no conflicts (2 of 4 stars). 6 submissions from 6 submitters: Likely benign (6). Last evaluated 2025-07-01.

Conditions:
Charcot-Marie-Tooth disease. Also called: Charcot-Marie-Tooth Neuropathy; Charcot-Marie-Tooth Hereditary Neuropathy. Identifiers: Orphanet 166, MedGen C0007959, MONDO:0015626.
Charcot-Marie-Tooth disease type 2. Also called: Charcot-Marie-Tooth type 2. Identifiers: Orphanet 64746, MedGen C0270914, MONDO:0018993.
Cardiomyopathy (CMYO). Also called: Cardiomyopathies. Identifiers: Orphanet 167848, MedGen C0878544, MONDO:0004994, HP:0001638. Inheritance: Various modes of inheritance.
Primary dilated cardiomyopathy (DCM). Also called: Dilated Cardiomyopathy. Identifiers: Orphanet 217604, MedGen C0007193, MeSH D002311, MONDO:0005021, HP:0001644. Inheritance: Various modes of inheritance.

Allele frequency attached by ClinVar (database versions not stated): gnomAD exomes below 0.00001; ExAC 0.00002.
gnomAD v4.1: 2 of 1,599,250 alleles (0.00013%); highest among the groups gnomAD compares: Non-Finnish European, 0.00017%; no homozygotes.

Submissions (6):

Labcorp Genetics (formerly Invitae), Labcorp
Classification: Likely benign for Charcot-Marie-Tooth disease type 2. Last evaluated: 2025-07-01. Review status: criteria provided, single submitter. Criteria: Invitae Variant Classification Sherloc (09022015). Collection method: clinical testing. Allele origin: germline.

Molecular Diagnostic Laboratory for Inherited Cardiovascular Disease, Montreal Heart Institute
Classification: Likely benign. Last evaluated: 2025-04-09. Review status: criteria provided, single submitter. Criteria: ACMG Guidelines, 2015. Collection method: clinical testing. Allele origin: germline. Affected: no.

All of Us Research Program, National Institutes of Health
Classification: Likely benign for Primary dilated cardiomyopathy. Last evaluated: 2023-11-30. Review status: criteria provided, single submitter. Criteria: ACMG Guidelines, 2015. Collection method: clinical testing. Allele origin: germline. Inheritance: Autosomal dominant inheritance. Observed: 2 variant alleles, 2 heterozygotes.
Comment: This study involves interpretation of variants in research participants for the purpose of population health screening. Participant phenotype was not available at the time of variant classification. Additional details can be found in publication PMID: 35346344, PMCID: PMC8962531

Color Diagnostics, LLC DBA Color Health
Classification: Likely benign for Cardiomyopathy. Last evaluated: 2019-11-13. Review status: criteria provided, single submitter. Criteria: ACMG Guidelines, 2015. Collection method: clinical testing. Allele origin: germline.

Laboratory for Molecular Medicine, Mass General Brigham Personalized Medicine
Classification: Likely benign. Last evaluated: 2014-05-22. Review status: criteria provided, single submitter. Criteria: LMM Criteria. Collection method: clinical testing. Allele origin: germline. Observed: 1 variant allele.
Comment: Leu162Leu in exon 2 of LMNA: This variant is not expected to have clinical signi ficance because it does not alter an amino acid residue and is not located withi n the splice consensus sequence.

Molecular Genetics Laboratory, London Health Sciences Centre
Classification: Likely benign for Charcot-Marie-Tooth disease. Review status: criteria provided, single submitter. Criteria: ACMG Guidelines, 2015. Collection method: clinical testing. Allele origin: germline. Affected: yes.